The following is an entry in ClinVar:

ClinVar aggregate classification (germline): Likely benign. Review status: criteria provided, single submitter (1 of 4 stars). 2 submissions from 2 submitters: Likely benign (1). 1 of the submissions does not count toward it. Last evaluated 2022-09-01.

Conditions:
KMT2D-related disorder. Also called: KMT2D-Related Disorders.

gnomAD v4.1: 1 of 1,614,028 alleles (0.000062%); highest among the groups gnomAD compares: Non-Finnish European, 0.000085%; no homozygotes.

Submissions (2):

CeGaT Center for Human Genetics Tuebingen
Classification: Likely benign. Last evaluated: 2022-09-01. Review status: criteria provided, single submitter. Criteria: CeGaT Center For Human Genetics Tuebingen Variant Classification Criteria Version 2. Collection method: clinical testing. Allele origin: germline. Affected: yes. Observed: 1 variant allele.
Comment: KMT2D: BP4, BP7

PreventionGenetics, part of Exact Sciences
Classification: Likely benign for KMT2D-related condition. Last evaluated: 2019-05-16. Review status: no assertion criteria provided. Collection method: clinical testing. Allele origin: germline. Not counted in ClinVar's aggregate classification.
Comment: This variant is classified as likely benign based on ACMG/AMP sequence variant interpretation guidelines (Richards et al. 2015 PMID: 25741868, with internal and published modifications).

NM_003482.4(KMT2D):c.15078G>T (p.Pro5026=)

Gene: KMT2D (lysine methyltransferase 2D; minus strand). Cytogenetic location: 12q13.12.
Variant type: single nucleotide variant.
Coding change: c.15078G>T on transcript NM_003482.4 (MANE Select); coding-DNA position 15078, G replaced by T.
Protein change: p.Pro5026=; no amino-acid change (proline 5026 retained).
Molecular consequence: synonymous variant.
Genome position (GRCh38, 1-based): chr12:49,026,888, C>A on the plus strand (G>T on the coding strand, the complement: KMT2D is on the minus strand). VCF-style: chr12-49026888-C-A. GRCh37 (hg19) VCF-style: chr12-49420671-C-A.
Identifiers: ClinVar variation 2642934 (VCV002642934.25), dbSNP rs762146012, ClinGen allele CA479706515.